The following is an entry in ClinVar:

ClinVar aggregate classification (germline): Pathogenic (3 of 4 stars; one submission).

Conditions:
Familial adenomatous polyposis 1 (FAP1). Also called: FAMILIAL ADENOMATOUS POLYPOSIS 1, ATTENUATED; POLYPOSIS, ADENOMATOUS INTESTINAL. Identifiers: MedGen C2713442, MONDO:0021056, OMIM 175100. Disease mechanism: loss of function.

Submission:

ClinGen InSiGHT Hereditary Colorectal Cancer/Polyposis Variant Curation Expert Panel
Classification: Pathogenic for Familial adenomatous polyposis 1. Last evaluated: 2023-02-19. Review status: reviewed by expert panel. Criteria: ClinGen InSiGHT HCCP VCEP ACMG Specifications APC V1. Collection method: curation. Allele origin: germline. Inheritance: Autosomal dominant inheritance.
Comment: The c.1900dup p.(Ser634Lysfs*17) variant in APC is a frameshift variant located between codon 49 and 2645 and is predicted to cause a premature stop codon in biological-relevant exon 15 in a gene in which loss-of-function is an established disease mechanism (PVS1). This variant has been identified as a de novo occurrence with unconfirmed parental relationships in 1 individual with FAP, the total points scored based on available phenotypic information is 0.5 (PM6_Supporting; PMID 15024739). This variant is absent from gnomAD v2.1.1 (PM2_Supporting). In summary, this variant meets the criteria to be classified as Pathogenic for FAP based on the ACMG/AMP criteria applied, as specified by the ClinGen InSiGHT Hereditary Colorectal Cancer/Polyposis Variant Curation Expert Panel: PVS1, PM2_Supporting, PM6_Supporting (VCEP specifications version 1; date of approval: 12/12/2022).

NM_000038.6(APC):c.1900dup (p.Ser634fs)

Gene: APC (APC regulator of Wnt signaling pathway; plus strand). Cytogenetic location: 5q22.2.
Variant type: Duplication.
Coding change: c.1900dup on transcript NM_000038.6 (MANE Select); coding-DNA position 1900, one base duplicated (A; older notation c.1900dupA).
Protein change: p.Ser634fs; shifts the reading frame from serine 634.
Molecular consequence: frameshift variant.
Genome position (GRCh38, 1-based): chr5:112,835,107, A duplicated; the last of 3 consecutive A bases (chr5:112,835,105-112,835,107); duplicating any one gives the same sequence. VCF-style (leftmost placement, unchanged base first): chr5-112835104-G-GA. GRCh37 (hg19) VCF-style: chr5-112170801-G-GA.
Other names: NM_001354906.2:c.1051dup; c.1900dup, p.Ser634fs (NM_001127510.3, NM_001354895.2); c.1846dup, p.Ser616fs (NM_001127511.3); c.1954dup, p.Ser652fs (NM_001354896.2); c.1930dup, p.Ser644fs (NM_001354897.2); c.1825dup, p.Ser609fs (NM_001354898.2); c.1816dup, p.Ser606fs (NM_001354899.2); c.1777dup, p.Ser593fs (NM_001354900.2); and 17 more; short protein forms S351fs, S474fs, S508fs, S533fs, S543fs, S575fs, S593fs, S606fs.
Identifiers: ClinVar variation 2442314 (VCV002442314.1), dbSNP rs2533341389, ClinGen allele CA658760617.
Genomic context (GRCh38, chr5:112,835,104, plus strand): 5'-CTTGCATTTTTGGTTGGCACTCTTACTTACCGGAGCCAGACAAACACTTTAGCCATTATT[G>GA]AAAGTGGAGGTGGGATATTACGGAATGTGTCCAGCTTGATAGCTACAAATGAGGACCACA-3'